The following is an entry in ClinVar:

ClinVar aggregate classification (germline): Likely benign. Review status: criteria provided, multiple submitters, no conflicts (2 of 4 stars). 2 submissions from 2 submitters: Likely benign (2). Last evaluated 2026-04-01.

Allele frequency attached by ClinVar (database versions not stated): gnomAD 0.00001; gnomAD exomes 0.00001; ExAC 0.00002; TOPMed 0.00002; 1000 Genomes Project 30x 0.00016; 1000 Genomes Project 0.00020.
gnomAD v4.1: 18 of 1,611,350 alleles (0.0011%); highest among the groups gnomAD compares: Middle Eastern, 0.017%; no homozygotes.

Submissions (2):

CeGaT Center for Human Genetics Tuebingen
Classification: Likely benign. Last evaluated: 2026-04-01. Review status: criteria provided, single submitter. Criteria: CeGaT Center For Human Genetics Tuebingen Variant Classification Criteria Version 2. Collection method: clinical testing. Allele origin: germline. Affected: yes. Observed: 2 variant alleles.
Comment: PTPN23: BP4, BP7

Labcorp Genetics (formerly Invitae), Labcorp
Classification: Likely benign. Last evaluated: 2025-02-12. Review status: criteria provided, single submitter. Criteria: Invitae Variant Classification Sherloc (09022015). Collection method: clinical testing. Allele origin: germline.

NM_015466.4(PTPN23):c.2442C>T (p.Pro814=)

Gene: PTPN23 (protein tyrosine phosphatase non-receptor type 23; plus strand). Cytogenetic location: 3p21.31.
Variant type: single nucleotide variant.
Coding change: c.2442C>T on transcript NM_015466.4 (MANE Select); coding-DNA position 2442, C replaced by T.
Protein change: p.Pro814=; no amino-acid change (proline 814 retained).
Molecular consequence: synonymous variant.
Genome position (GRCh38, 1-based): chr3:47,410,240, C>T. VCF-style: chr3-47410240-C-T. GRCh37 (hg19) VCF-style: chr3-47451730-C-T.
Other names: c.2064C>T, p.Pro688= (NM_001304482.2).
Identifiers: ClinVar variation 1532972 (VCV001532972.31), dbSNP rs569455227, ClinGen allele CA2366043.
Genomic context (GRCh38, chr3:47,410,240, plus strand): 5'-TACCTACTCGGGCCCCACCCAGCTGATACAGCCCAGGGCCCCAGGGCCCCATGCAATGCC[C>T]GTAGCACCTGGGCCTGCCCTCTACCCAGCCCCTGCCTACACACCGGAGCTGGGCCTTGTG-3'
Protein context (NP_056281.1, residues 804-824): QPRAPGPHAM[Pro814=]VAPGPALYPA